The following is an entry in ClinVar:

NM_001110556.2(FLNA):c.5416+5G>A

Gene: FLNA (filamin A; minus strand). Cytogenetic location: Xq28.
Variant type: single nucleotide variant.
Coding change: c.5416+5G>A on transcript NM_001110556.2 (MANE Select); 5 bases into the intron after coding-DNA position 5416, G replaced by A.
Molecular consequence: intron variant.
Genome position (GRCh38, 1-based): chrX:154,354,376, C>T on the plus strand (G>A on the coding strand, the complement: FLNA is on the minus strand). VCF-style: chrX-154354376-C-T. GRCh37 (hg19) VCF-style: chrX-153582744-C-T.
Other names: c.5392+5G>A (NM_001456.4).
Identifiers: ClinVar variation 1008970 (VCV001008970.7), dbSNP rs2067646346, ClinGen allele CA2466653640.
Genomic context (GRCh38, chrX:154,354,376, plus strand): 5'-AGGGCAGCTCATTGGCACAGTCTGGCCTCCTTGGCTCCCGAGCTCCTTCCCAAGTCCCCA[C>T]TCACCTGTGATCTCGCCCTTCTTGATGGTGAAGGGGATGACAAGGTCAAAGGGCCTCAGG-3'

ClinVar aggregate classification (germline): Uncertain significance (1 of 4 stars; one submission).

Conditions:
Frontometaphyseal dysplasia (FMD1). Identifiers: Orphanet 1826, MedGen C0265293, MONDO:0015942.
Melnick-Needles syndrome (MNS). Also called: MELNICK-NEEDLES OSTEODYSPLASTY; OSTEODYSPLASTY OF MELNICK AND NEEDLES; Melnick-Needles Syndrome (FLNA-MNS). Identifiers: Orphanet 2484, MedGen C0025237, MONDO:0010650, OMIM 309350.
Oto-palato-digital syndrome, type II (OPD2). Also called: FACIOPALATOOSSEOUS SYNDROME; Otopalatodigital Syndrome, Type II; OPD II SYNDROME; Otopalatodigital Syndrome Type 2 (FLNA-OPD2). Identifiers: Orphanet 669, Orphanet 90652, MedGen C1844696, MONDO:0010571, OMIM 304120.
Heterotopia, periventricular, X-linked dominant (PVNH1). Also called: PERIVENTRICULAR NODULAR HETEROTOPIA 1; X-linked periventricular heterotopia; PERIVENTRICULAR NODULAR HETEROTOPIA 4; HETEROTOPIA, PERIVENTRICULAR, 1. Identifiers: Orphanet 2149, Orphanet 82004, MedGen C1848213, MONDO:0010233, OMIM 300049.

Submission:

Labcorp Genetics (formerly Invitae), Labcorp
Classification: Uncertain significance for Oto-palato-digital syndrome, type II; Heterotopia, periventricular, X-linked dominant; Frontometaphyseal dysplasia; Melnick-Needles syndrome. Last evaluated: 2020-05-14. Review status: criteria provided, single submitter. Criteria: Invitae Variant Classification Sherloc (09022015). Collection method: clinical testing. Allele origin: germline.
Comment: In summary, the available evidence is currently insufficient to determine the role of this variant in disease. Therefore, it has been classified as a Variant of Uncertain Significance. Nucleotide substitutions within the consensus splice site are a relatively common cause of aberrant splicing (PMID: 17576681, 9536098). Algorithms developed to predict the effect of sequence changes on RNA splicing suggest that this variant may disrupt the consensus splice site, but this prediction has not been confirmed by published transcriptional studies. This variant has not been reported in the literature in individuals with FLNA-related conditions. This variant is not present in population databases (ExAC no frequency). This sequence change falls in intron 32 of the FLNA gene. It does not directly change the encoded amino acid sequence of the FLNA protein, but it affects a nucleotide within the consensus splice site of the intron.

Literature cited by the submitters: PubMed 17576681; PubMed 9536098.